The following is an entry in ClinVar:

ClinVar aggregate classification (germline): Uncertain significance (1 of 4 stars; one submission).

Submission:

Labcorp Genetics (formerly Invitae), Labcorp
Classification: Uncertain significance. Last evaluated: 2024-09-10. Review status: criteria provided, single submitter. Criteria: Invitae Variant Classification Sherloc (09022015). Collection method: clinical testing. Allele origin: germline.
Comment: This sequence change replaces leucine, which is neutral and non-polar, with valine, which is neutral and non-polar, at codon 167 of the MBD4 protein (p.Leu167Val). This variant is not present in population databases (gnomAD no frequency). This variant has not been reported in the literature in individuals affected with MBD4-related conditions. An algorithm developed to predict the effect of missense changes on protein structure and function outputs the following: PolyPhen-2: "Benign". The valine amino acid residue is found in multiple mammalian species, which suggests that this missense change does not adversely affect protein function. In summary, the available evidence is currently insufficient to determine the role of this variant in disease. Therefore, it has been classified as a Variant of Uncertain Significance.

NM_001276270.2(MBD4):c.499C>G (p.Leu167Val)

Gene: MBD4 (methyl-CpG binding domain 4, DNA glycosylase; minus strand). Cytogenetic location: 3q21.3.
Variant type: single nucleotide variant.
Coding change: c.499C>G on transcript NM_001276270.2 (MANE Select); coding-DNA position 499, C replaced by G.
Protein change: p.Leu167Val; replaces leucine 167 with valine.
Molecular consequence: missense variant. On other transcripts: intron variant (1).
Genome position (GRCh38, 1-based): chr3:129,437,145, G>C on the plus strand (C>G on the coding strand, the complement: MBD4 is on the minus strand). VCF-style: chr3-129437145-G-C. GRCh37 (hg19) VCF-style: chr3-129155988-G-C.
Other names: c.499C>G, p.Leu167Val (NM_001276271.2, NM_001276272.2, NM_003925.3); c.247+663C>G (NM_001276273.2); short protein forms L167V.
Identifiers: ClinVar variation 3699770 (VCV003699770.2).